The following is an entry in ClinVar:

ClinVar aggregate classification (germline): Uncertain significance (1 of 4 stars; one submission).

Conditions:
Nemaline myopathy 2 (NEM2). Also called: Nemaline myopathy 2, autosomal recessive. Identifiers: MedGen C1850569, MONDO:0009725, OMIM 256030.

Allele frequency attached by ClinVar (database versions not stated): TOPMed below 0.00001; gnomAD 0.00001.
gnomAD v4.1: 3 of 1,613,560 alleles (0.00019%); highest among the groups gnomAD compares: Non-Finnish European, 0.00025%; no homozygotes.

Submission:

Labcorp Genetics (formerly Invitae), Labcorp
Classification: Uncertain significance for Nemaline myopathy 2. Last evaluated: 2022-07-19. Review status: criteria provided, single submitter. Criteria: Invitae Variant Classification Sherloc (09022015). Collection method: clinical testing. Allele origin: germline.
Comment: This sequence change replaces valine, which is neutral and non-polar, with phenylalanine, which is neutral and non-polar, at codon 6708 of the NEB protein (p.Val6708Phe). This variant is present in population databases (no rsID available, gnomAD 0.007%). This variant has not been reported in the literature in individuals affected with NEB-related conditions. ClinVar contains an entry for this variant (Variation ID: 1446625). Algorithms developed to predict the effect of missense changes on protein structure and function are either unavailable or do not agree on the potential impact of this missense change (SIFT: "Deleterious"; PolyPhen-2: "Not Available"; Align-GVGD: "Class C0"). In summary, the available evidence is currently insufficient to determine the role of this variant in disease. Therefore, it has been classified as a Variant of Uncertain Significance.

NM_001164508.2(NEB):c.20122G>T (p.Val6708Phe)

Gene: NEB (nebulin; minus strand). Cytogenetic location: 2q23.3.
Variant type: single nucleotide variant.
Coding change: c.20122G>T on transcript NM_001164508.2 (MANE Select); coding-DNA position 20122, G replaced by T.
Protein change: p.Val6708Phe; replaces valine 6708 with phenylalanine.
Molecular consequence: missense variant.
Genome position (GRCh38, 1-based): chr2:151,548,343, C>A on the plus strand (G>T on the coding strand, the complement: NEB is on the minus strand). VCF-style: chr2-151548343-C-A. GRCh37 (hg19) VCF-style: chr2-152404857-C-A.
Other names: c.20122G>T, p.Val6708Phe (NM_001164507.2, NM_001271208.2); c.15019G>T, p.Val5007Phe (NM_004543.5); short protein forms V5007F, V6708F.
Identifiers: ClinVar variation 1446625 (VCV001446625.5), dbSNP rs1312710050, ClinGen allele CA348784311.